The following is an entry in ClinVar:

ClinVar aggregate classification (germline): Uncertain significance (1 of 4 stars; one submission).

Conditions:
Orthostatic hypotension 1 (ORTHYP1). Also called: Dopamine beta-hydroxylase deficiency; NORADRENALINE DEFICIENCY; NOREPINEPHRINE DEFICIENCY; Orthostatic hypotension 1, due to DBH deficiency. Identifiers: Orphanet 230, MedGen C4746777, MONDO:0009123, OMIM 223360.

Submission:

Labcorp Genetics (formerly Invitae), Labcorp
Classification: Uncertain significance for Orthostatic hypotension 1. Last evaluated: 2024-11-21. Review status: criteria provided, single submitter. Criteria: Invitae Variant Classification Sherloc (09022015). Collection method: clinical testing. Allele origin: germline.
Comment: This sequence change replaces glycine, which is neutral and non-polar, with aspartic acid, which is acidic and polar, at codon 305 of the DBH protein (p.Gly305Asp). This variant is not present in population databases (gnomAD no frequency). This variant has not been reported in the literature in individuals affected with DBH-related conditions. Invitae Evidence Modeling of protein sequence and biophysical properties (such as structural, functional, and spatial information, amino acid conservation, physicochemical variation, residue mobility, and thermodynamic stability) indicates that this missense variant is expected to disrupt DBH protein function with a positive predictive value of 80%. In summary, the available evidence is currently insufficient to determine the role of this variant in disease. Therefore, it has been classified as a Variant of Uncertain Significance.

NM_000787.4(DBH):c.914G>A (p.Gly305Asp)

Gene: DBH (dopamine beta-hydroxylase; plus strand). Cytogenetic location: 9q34.2.
Variant type: single nucleotide variant.
Coding change: c.914G>A on transcript NM_000787.4 (MANE Select); coding-DNA position 914, G replaced by A.
Protein change: p.Gly305Asp; replaces glycine 305 with aspartic acid.
Molecular consequence: missense variant.
Genome position (GRCh38, 1-based): chr9:133,643,582, G>A. VCF-style: chr9-133643582-G-A. GRCh37 (hg19) VCF-style: chr9-136508704-G-A.
Other names: short protein forms G305D.
Identifiers: ClinVar variation 3618975 (VCV003618975.2).